The following is an entry in ClinVar:

NM_001042492.3(NF1):c.8034_8037del (p.Leu2678fs)

Gene: NF1 (neurofibromin 1; plus strand). Cytogenetic location: 17q11.2.
Variant type: Deletion.
Coding change: c.8034_8037del on transcript NM_001042492.3 (MANE Select); coding-DNA positions 8034 to 8037, 4 bases deleted (AAAT; older notation c.8034_8037delAAAT).
Protein change: p.Leu2678fs; shifts the reading frame from leucine 2678.
Molecular consequence: frameshift variant.
Genome position (GRCh38, 1-based): chr17:31,358,543-31,358,546, AAAT deleted; deleting any 4 consecutive bases within chr17:31,358,542-31,358,546 gives the same sequence; the c. name uses the placement nearest the transcript's 3' end. VCF-style (leftmost placement, unchanged base first): chr17-31358541-TTAAA-T. GRCh37 (hg19) VCF-style: chr17-29685559-TTAAA-T.
Other names: c.7971_7974delAAAT, p.Leu2657Phefs (NM_000267.4); short protein forms L2657fs, L2678fs.
Identifiers: ClinVar variation 2006852 (VCV002006852.4), dbSNP rs2508835122, ClinGen allele CA2580093491.

ClinVar aggregate classification (germline): Pathogenic (1 of 4 stars; one submission).

Conditions:
Neurofibromatosis, type 1 (NF1). Also called: Neurofibromatosis, type I; Peripheral type neurofibromatosis; VON RECKLINGHAUSEN DISEASE; NEUROFIBROMATOSIS, TYPE I, SOMATIC. Identifiers: Orphanet 636, MedGen C0027831, MONDO:0018975, OMIM 162200. Disease mechanism: loss of function.

Submission:

Labcorp Genetics (formerly Invitae), Labcorp
Classification: Pathogenic for Neurofibromatosis, type 1. Last evaluated: 2022-06-15. Review status: criteria provided, single submitter. Criteria: Invitae Variant Classification Sherloc (09022015). Collection method: clinical testing. Allele origin: germline.
Comment: For these reasons, this variant has been classified as Pathogenic. This variant has not been reported in the literature in individuals affected with NF1-related conditions. This variant is not present in population databases (gnomAD no frequency). This sequence change creates a premature translational stop signal (p.Leu2657Phefs*60) in the NF1 gene. It is expected to result in an absent or disrupted protein product. Loss-of-function variants in NF1 are known to be pathogenic (PMID: 10712197, 23913538).

Literature cited by the submitters: PubMed 10712197; PubMed 23913538.